The following is an entry in ClinVar:

NM_006939.4(SOS2):c.2466G>A (p.Met822Ile)

Gene: SOS2 (SOS Ras/Rho guanine nucleotide exchange factor 2; minus strand). Cytogenetic location: 14q21.3.
Variant type: single nucleotide variant.
Coding change: c.2466G>A on transcript NM_006939.4 (MANE Select); coding-DNA position 2466, G replaced by A.
Protein change: p.Met822Ile; replaces methionine 822 with isoleucine.
Molecular consequence: missense variant.
Genome position (GRCh38, 1-based): chr14:50,145,515, C>T on the plus strand (G>A on the coding strand, the complement: SOS2 is on the minus strand). VCF-style: chr14-50145515-C-T. GRCh37 (hg19) VCF-style: chr14-50612233-C-T.
Other names: c.2367G>A, p.Met789Ile (NM_001411020.1); short protein forms M789I, M822I.
Identifiers: ClinVar variation 1923384 (VCV001923384.5), dbSNP rs1272374280, ClinGen allele CA389643345.

ClinVar aggregate classification (germline): Uncertain significance (1 of 4 stars; one submission).

Conditions:
Noonan syndrome 9 (NS9). Identifiers: Orphanet 648, MedGen C4225282, MONDO:0014691, OMIM 616559.

Allele frequency attached by ClinVar (database versions not stated): TOPMed below 0.00001; gnomAD 0.00001.
gnomAD v4.1: 2 of 1,608,310 alleles (0.00012%); highest among the groups gnomAD compares: Non-Finnish European, 0.000085%; no homozygotes.

Submission:

Labcorp Genetics (formerly Invitae), Labcorp
Classification: Uncertain significance for Noonan syndrome 9. Last evaluated: 2021-12-20. Review status: criteria provided, single submitter. Criteria: Invitae Variant Classification Sherloc (09022015). Collection method: clinical testing. Allele origin: germline.
Comment: This sequence change replaces methionine, which is neutral and non-polar, with isoleucine, which is neutral and non-polar, at codon 822 of the SOS2 protein (p.Met822Ile). In summary, the available evidence is currently insufficient to determine the role of this variant in disease. Therefore, it has been classified as a Variant of Uncertain Significance. Algorithms developed to predict the effect of missense changes on protein structure and function (SIFT, PolyPhen-2, Align-GVGD) all suggest that this variant is likely to be tolerated. This variant has not been reported in the literature in individuals affected with SOS2-related conditions. This variant is not present in population databases (gnomAD no frequency).